The following is an entry in ClinVar:

ClinVar aggregate classification (germline): Uncertain significance (1 of 4 stars; one submission).

Submission:

GeneDx
Classification: Uncertain significance. Last evaluated: 2023-10-31. Review status: criteria provided, single submitter. Criteria: GeneDx Variant Classification Process June 2021. Collection method: clinical testing. Allele origin: germline. Affected: yes.
Comment: Not observed at significant frequency in large population cohorts (gnomAD); In silico analysis supports that this missense variant has a deleterious effect on protein structure/function; Has not been previously published as pathogenic or benign to our knowledge

NM_001366521.1(ATP2B1):c.1786T>C (p.Tyr596His)

Gene: ATP2B1 (ATPase plasma membrane Ca2+ transporting 1; minus strand). Cytogenetic location: 12q21.33.
Variant type: single nucleotide variant.
Coding change: c.1786T>C on transcript NM_001366521.1 (MANE Select); coding-DNA position 1786, T replaced by C.
Protein change: p.Tyr596His; replaces tyrosine 596 with histidine.
Molecular consequence: missense variant. On other transcripts: non-coding transcript variant (3).
Genome position (GRCh38, 1-based): chr12:89,620,042, A>G on the plus strand (T>C on the coding strand, the complement: ATP2B1 is on the minus strand). VCF-style: chr12-89620042-A-G. GRCh37 (hg19) VCF-style: chr12-90013819-A-G.
Other names: c.1786T>C, p.Tyr596His (NM_001001323.2, NM_001366520.1, NM_001366522.1 and 12 more transcripts); c.1588T>C, p.Tyr530His (NM_001366530.1, NM_001413053.1); c.1225T>C, p.Tyr409His (NM_001366531.1, NM_001366532.1, NM_001413058.1 and 2 more transcripts); c.1747T>C, p.Tyr583His (NM_001413048.1); c.1645T>C, p.Tyr549His (NM_001413051.1, NM_001413052.1, NM_001413055.1); c.1543T>C, p.Tyr515His (NM_001413054.1); c.1531T>C, p.Tyr511His (NM_001413056.1); c.1333T>C, p.Tyr445His (NM_001413057.1); short protein forms Y409H, Y445H, Y511H, Y515H, Y530H, Y549H, Y583H, Y596H.
Identifiers: ClinVar variation 3363581 (VCV003363581.1).